The following is an entry in ClinVar:

ClinVar aggregate classification (germline): Conflicting classifications of pathogenicity. Review status: criteria provided, conflicting classifications (1 of 4 stars). 3 submissions from 3 submitters: Likely pathogenic (1); Uncertain significance (2). Last evaluated 2026-03-31.

Conditions:
PKD1-related disorder. Also called: PKD1-related condition.

Submissions (3):

PreventionGenetics, part of Exact Sciences
Classification: Uncertain significance for PKD1-related condition. Last evaluated: 2026-03-31. Review status: criteria provided, single submitter. Criteria: ACMG Guidelines, 2015. Collection method: clinical testing. Allele origin: germline.
Comment: The PKD1 c.9581C>T variant is predicted to result in the amino acid substitution p.Ala3194Val. This variant was reported in individuals with autosomal dominant polycystic kidney disease (ADPKD) (Table S6C, Kim et al. 2019. PubMed ID: 31740684; Supplemental Table 2, Heyer et al. 2016. PubMed ID: 26823553). This variant has not been reported in a large population database (gnomAD), indicating this variant is rare. At this time, the clinical significance of this variant is uncertain due to the absence of conclusive functional and genetic evidence.

Women's Health and Genetics/Laboratory Corporation of America, LabCorp
Classification: Uncertain significance. Last evaluated: 2025-05-07. Review status: criteria provided, single submitter. Criteria: LabCorp Variant Classification Summary - May 2015. Collection method: clinical testing. Allele origin: germline.
Comment: Variant summary: PKD1 c.9581C>T (p.Ala3194Val) results in a non-conservative amino acid change in the encoded protein sequence. Algorithms developed to predict the effect of missense changes on protein structure and function all suggest that this variant is likely to be disruptive. The variant was absent in 248274 control chromosomes. c.9581C>T has been observed in individual(s) affected with autosomal dominant Polycystic Kidney Disease 1 (Kim_2019, Heyer_2016). These data indicate that the variant may be associated with disease. To our knowledge, no experimental evidence demonstrating an impact on protein function has been reported. The following publications have been ascertained in the context of this evaluation (PMID: 26823553, 31740684). No submitters have cited clinical-significance assessments for this variant to ClinVar. Based on the evidence outlined above, the variant was classified as VUS-possibly pathogenic.

Blueprint Genetics
Classification: Likely pathogenic for PKD1-related disorders. Last evaluated: 2024-11-01. Review status: criteria provided, single submitter. Criteria: ACMG Guidelines, 2015. Collection method: clinical testing. Allele origin: germline. Affected: yes. Observed: 2 variant alleles.

Literature cited by the submitters: PubMed 31740684 (cited by Women's Health and Genetics/Laboratory Corporation of America, LabCorp); PubMed 26823553 (cited by Women's Health and Genetics/Laboratory Corporation of America, LabCorp).

NM_001009944.3(PKD1):c.9581C>T (p.Ala3194Val)

Gene: PKD1 (polycystin 1, transient receptor potential channel interacting; minus strand). Cytogenetic location: 16p13.3.
Variant type: single nucleotide variant.
Coding change: c.9581C>T on transcript NM_001009944.3 (MANE Select); coding-DNA position 9581, C replaced by T.
Protein change: p.Ala3194Val; replaces alanine 3194 with valine.
Molecular consequence: missense variant.
Genome position (GRCh38, 1-based): chr16:2,100,297, G>A on the plus strand (C>T on the coding strand, the complement: PKD1 is on the minus strand). VCF-style: chr16-2100297-G-A. GRCh37 (hg19) VCF-style: chr16-2150298-G-A.
Other names: c.9581C>T, p.Ala3194Val (NM_000296.4); short protein forms A3194V.
Identifiers: ClinVar variation 3902440 (VCV003902440.3).